The following is an entry in ClinVar:

NM_003072.5(SMARCA4):c.2974-18A>G

Gene: SMARCA4 (SWI/SNF related BAF chromatin remodeling complex subunit ATPase 4; plus strand). Cytogenetic location: 19p13.2.
Variant type: single nucleotide variant.
Coding change: c.2974-18A>G on transcript NM_003072.5 (MANE Select); 18 bases into the intron before coding-DNA position 2974, A replaced by G.
Molecular consequence: intron variant.
Genome position (GRCh38, 1-based): chr19:11,024,313, A>G. VCF-style: chr19-11024313-A-G. GRCh37 (hg19) VCF-style: chr19-11134989-A-G.
Other names: c.2974-18A>G (NM_001128844.3, NM_001128849.3, NM_001128847.4 and 5 more transcripts).
Identifiers: ClinVar variation 1541120 (VCV001541120.9), dbSNP rs762421583, ClinGen allele CA9204287.
Genomic context (GRCh38, chr19:11,024,313, plus strand): 5'-GTCAGAGCTGGGTTCGGATGGGGGGAGTCAGGCCTCAAGCCACCTTGGGCCCTCGTGAGC[A>G]TTATGTGTCCCCTGCAGGTGGAGTACGTCATCAAGTGCGACATGTCTGCGCTGCAGCGAG-3'

ClinVar aggregate classification (germline): Likely benign. Review status: criteria provided, multiple submitters, no conflicts (2 of 4 stars). 2 submissions from 2 submitters: Likely benign (2). Last evaluated 2026-07-07.

Conditions:
Rhabdoid tumor predisposition syndrome 2 (RTPS2). Identifiers: Orphanet 231108, Orphanet 69077, MedGen C2750074, MONDO:0013224, OMIM 613325.

Allele frequency attached by ClinVar (database versions not stated): gnomAD exomes 0.00001; ExAC 0.00001.
gnomAD v4.1: 5 of 1,581,004 alleles (0.00032%); highest among the groups gnomAD compares: Admixed American, 0.0067%; no homozygotes.

Submissions (2):

Myriad Genetics, Inc.
Classification: Likely benign for Rhabdoid tumor predisposition syndrome 2. Last evaluated: 2026-07-07. Review status: criteria provided, single submitter. Criteria: Myriad Autosomal Dominant, Autosomal Recessive and X-Linked Classification Criteria (2023). Collection method: clinical testing. Allele origin: unknown.
Comment: This variant is considered likely benign. This variant is intronic and is not expected to impact mRNA splicing.

Labcorp Genetics (formerly Invitae), Labcorp
Classification: Likely benign for Rhabdoid tumor predisposition syndrome 2. Last evaluated: 2024-02-01. Review status: criteria provided, single submitter. Criteria: Invitae Variant Classification Sherloc (09022015). Collection method: clinical testing. Allele origin: germline.